The following is an entry in ClinVar:

ClinVar aggregate classification (germline): Uncertain significance (1 of 4 stars; one submission).

Conditions:
Hyperekplexia 2 (HKPX2). Identifiers: Orphanet 3197, MedGen C3553291, MONDO:0013828, OMIM 614619.

gnomAD v4.1: 1 of 1,373,342 alleles (0.000073%); highest among the groups gnomAD compares: Non-Finnish European, 0.0001%; no homozygotes.

Submission:

Labcorp Genetics (formerly Invitae), Labcorp
Classification: Uncertain significance for Hyperekplexia 2. Last evaluated: 2024-05-14. Review status: criteria provided, single submitter. Criteria: Invitae Variant Classification Sherloc (09022015). Collection method: clinical testing. Allele origin: germline.
Comment: This sequence change affects codon 250 of the GLRB mRNA. It is a 'silent' change, meaning that it does not change the encoded amino acid sequence of the GLRB protein. It affects a nucleotide within the consensus splice site. The frequency data for this variant in the population databases is considered unreliable, as metrics indicate poor data quality at this position in the gnomAD database. This variant has not been reported in the literature in individuals affected with GLRB-related conditions. Algorithms developed to predict the effect of sequence changes on RNA splicing suggest that this variant is not likely to affect RNA splicing. In summary, the available evidence is currently insufficient to determine the role of this variant in disease. Therefore, it has been classified as a Variant of Uncertain Significance.

NM_000824.5(GLRB):c.750G>C (p.Thr250=)

Gene: GLRB (glycine receptor beta; plus strand). Cytogenetic location: 4q32.1.
Variant type: single nucleotide variant.
Coding change: c.750G>C on transcript NM_000824.5 (MANE Select); coding-DNA position 750, G replaced by C.
Protein change: p.Thr250=; no amino-acid change (threonine 250 retained).
Molecular consequence: synonymous variant.
Genome position (GRCh38, 1-based): chr4:157,138,948, G>C. VCF-style: chr4-157138948-G-C. GRCh37 (hg19) VCF-style: chr4-158060100-G-C.
Other names: c.750G>C, p.Thr250= (NM_001166060.2, NM_001166061.2).
Identifiers: ClinVar variation 3641432 (VCV003641432.2).